The following is an entry in ClinVar:

NM_020922.5(WNK3):c.2523+8C>A

Gene: WNK3 (WNK lysine deficient protein kinase 3; minus strand). Cytogenetic location: Xp11.22.
Variant type: single nucleotide variant.
Coding change: c.2523+8C>A on transcript NM_020922.5 (MANE Select); 8 bases into the intron after coding-DNA position 2523, C replaced by A.
Molecular consequence: intron variant.
Genome position (GRCh38, 1-based): chrX:54,251,524, G>T on the plus strand (C>A on the coding strand, the complement: WNK3 is on the minus strand). VCF-style: chrX-54251524-G-T. GRCh37 (hg19) VCF-style: chrX-54277957-G-T.
Other names: c.2523+8C>A (NM_001395166.1, NM_001002838.4).
Identifiers: ClinVar variation 4821098 (VCV004821098.4).

ClinVar aggregate classification (germline): Likely benign (1 of 4 stars; one submission).

gnomAD v4.1: 32 of 1,206,715 alleles (0.0027%); highest among the groups gnomAD compares: Admixed American, 0.0088%; no homozygotes.

Submission:

CeGaT Center for Human Genetics Tuebingen
Classification: Likely benign. Last evaluated: 2026-03-01. Review status: criteria provided, single submitter. Criteria: CeGaT Center For Human Genetics Tuebingen Variant Classification Criteria Version 2. Collection method: clinical testing. Allele origin: germline. Affected: yes. Observed: 1 variant allele.
Comment: WNK3: BP4, BS2